The following is an entry in ClinVar:

ClinVar aggregate classification (germline): Benign. Review status: criteria provided, multiple submitters, no conflicts (2 of 4 stars). 2 submissions from 2 submitters: Benign (2). Last evaluated 2018-06-16.

Allele frequency attached by ClinVar (database versions not stated): gnomAD 0.37044 and 0.36520; TOPMed 0.38053; 1000 Genomes Project 30x 0.39241; 1000 Genomes Project 0.39097.
gnomAD v4.1: 55,595 of 152,220 alleles (37%); highest among the groups gnomAD compares: African/African-American, 58%; 11,574 homozygotes.

Submissions (4):

GeneDx
Classification: Benign. Last evaluated: 2018-06-16. Review status: criteria provided, single submitter. Criteria: GeneDx Variant Classification (06012015). Collection method: clinical testing. Allele origin: germline. Affected: yes.
Comment: This variant is considered likely benign or benign based on one or more of the following criteria: it is a conservative change, it occurs at a poorly conserved position in the protein, it is predicted to be benign by multiple in silico algorithms, and/or has population frequency not consistent with disease.

Breakthrough Genomics
Classification: Benign. Review status: criteria provided, single submitter. Criteria: ACMG Guidelines, 2015. Collection method: not provided. Allele origin: germline. Inheritance: Autosomal recessive inheritance. Affected: yes.

Dr. Peter K. Rogan Lab, Western University
No classification provided (evidence only). Condition: Cholangiocarcinoma. Review status: no classification provided. Collection method: in vitro. Allele origin: not applicable. Functional consequence: retained intron. Not counted in ClinVar's aggregate classification.

Dr. Peter K. Rogan Lab, Western University
No classification provided (evidence only). Condition: Cholangiocarcinoma. Review status: no classification provided. Collection method: in vitro. Allele origin: not applicable. Functional consequence: retained intron. Not counted in ClinVar's aggregate classification.

NM_018249.6(CDK5RAP2):c.4415-161A>G

Gene: CDK5RAP2 (CDK5 regulatory subunit associated protein 2; minus strand). Cytogenetic location: 9q33.2.
Variant type: single nucleotide variant.
Coding change: c.4415-161A>G on transcript NM_018249.6 (MANE Select); 161 bases into the intron before coding-DNA position 4415, A replaced by G.
Molecular consequence: intron variant.
Genome position (GRCh38, 1-based): chr9:120,409,477, T>C on the plus strand (A>G on the coding strand, the complement: CDK5RAP2 is on the minus strand). VCF-style: chr9-120409477-T-C. GRCh37 (hg19) VCF-style: chr9-123171755-T-C.
Other names: NC_000009.11:g.123171755T>C; c.3725-161A>G (NM_001272039.2); c.4415-161A>G (NM_001011649.3).
Identifiers: ClinVar variation 678306 (VCV000678306.3), dbSNP rs2297454, ClinGen allele CA13074774.